The following is an entry in ClinVar:

NM_004621.6(TRPC6):c.-352C>G

Gene: TRPC6 (transient receptor potential cation channel subfamily C member 6; minus strand). Cytogenetic location: 11q22.1.
Variant type: single nucleotide variant.
Coding change: c.-352C>G on transcript NM_004621.6 (MANE Select); 352 bases upstream of the start codon, C replaced by G.
Molecular consequence: 5 prime UTR variant.
Genome position (GRCh38, 1-based): chr11:101,583,855, G>C on the plus strand (C>G on the coding strand, the complement: TRPC6 is on the minus strand). VCF-style: chr11-101583855-G-C. GRCh37 (hg19) VCF-style: chr11-101454586-G-C.
Identifiers: ClinVar variation 879114 (VCV000879114.4), dbSNP rs201260623, ClinGen allele CA227542297.

ClinVar aggregate classification (germline): Benign (1 of 4 stars; one submission).

Conditions:
Focal segmental glomerulosclerosis 2 (FSGS2). Identifiers: Orphanet 656, MedGen C1858915, MONDO:0011390, OMIM 603965.

Allele frequency attached by ClinVar (database versions not stated): TOPMed 0.00002; 1000 Genomes Project 30x 0.00156; 1000 Genomes Project 0.00200.
gnomAD v4.1: 32 of 243,538 alleles (0.013%); highest among the groups gnomAD compares: South Asian, 0.53%; no homozygotes.

Submission:

Illumina Laboratory Services, Illumina
Classification: Benign for Focal segmental glomerulosclerosis 2. Last evaluated: 2018-01-12. Review status: criteria provided, single submitter. Criteria: ICSL Variant Classification Criteria 13 December 2019. Collection method: clinical testing. Allele origin: germline.
Comment: This variant was observed in the ICSL laboratory as part of a predisposition screen in an ostensibly healthy population. It had not been previously curated by ICSL or reported in the Human Gene Mutation Database (HGMD: prior to June 1st, 2018), and was therefore a candidate for classification through an automated scoring system. Utilizing variant allele frequency, disease prevalence and penetrance estimates, and inheritance mode, an automated score was calculated to assess if this variant is too frequent to cause the disease. Based on the score and internal cut-off values, a variant classified as benign is not then subjected to further curation. The score for this variant resulted in a classification of benign for this disease.